The following is an entry in ClinVar:

ClinVar aggregate classification (germline): Pathogenic (1 of 4 stars; one submission).

Submission:

GeneDx
Classification: Pathogenic. Last evaluated: 2017-02-08. Review status: criteria provided, single submitter. Criteria: GeneDx Variant Classification (06012015). Collection method: clinical testing. Allele origin: germline. Affected: yes.
Comment: The c.2311_2323del13insATG variant in the KANSL1 gene has not been reported previously as a pathogenic variant nor as a benign variant, to our knowledge. The c.2311_2323del13insATG variant causes a frameshift starting with codon Leucine 771, changes this amino acid to a Methionine residue, and creates a premature Stop codon at position 13 of the new reading frame, denoted p.Leu771MetfsX13. This variant is predicted to cause loss of normal protein function either through protein truncation or nonsense-mediated mRNA decay. The c.2311_2323del13insATG variant is not observed in large population cohorts (Lek et al., 2016; 1000 Genomes Consortium et al., 2015; Exome Variant Server). We interpret c.2311_2323del13insATG as a pathogenic variant.

NM_015443.4(KANSL1):c.2311_2323delinsATG (p.Leu771fs)

Gene: KANSL1 (KAT8 regulatory NSL complex subunit 1). Cytogenetic location: 17q21.31.
Variant type: Indel.
Coding change: c.2311_2323delinsATG on transcript NM_015443.4 (MANE Select); coding-DNA positions 2311 to 2323, the reference bases replaced by ATG.
Protein change: p.Leu771fs; shifts the reading frame from leucine 771.
Molecular consequence: frameshift variant.
Genome position: GRCh38 VCF-style: chr17-46039096-GTGGGTTGAGCAA-CAT. GRCh37 (hg19) VCF-style: chr17-44116462-GTGGGTTGAGCAA-CAT.
Other names: c.2311_2323delinsATG, p.Leu771fs (NM_001193465.2, NM_001193466.2, NM_001379198.1); short protein forms L771fs.
Identifiers: ClinVar variation 423448 (VCV000423448.1), dbSNP rs1064796433, ClinGen allele CA16620458.